The following is an entry in ClinVar:

ClinVar aggregate classification (germline): Uncertain significance (1 of 4 stars; one submission).

Allele frequency attached by ClinVar (database versions not stated): gnomAD exomes 0.00001.
gnomAD v4.1: 5 of 1,613,302 alleles (0.00031%); highest among the groups gnomAD compares: Non-Finnish European, 0.00042%; no homozygotes.

Submission:

Labcorp Genetics (formerly Invitae), Labcorp
Classification: Uncertain significance. Last evaluated: 2022-01-05. Review status: criteria provided, single submitter. Criteria: Invitae Variant Classification Sherloc (09022015). Collection method: clinical testing. Allele origin: germline.
Comment: In summary, the available evidence is currently insufficient to determine the role of this variant in disease. Therefore, it has been classified as a Variant of Uncertain Significance. Algorithms developed to predict the effect of missense changes on protein structure and function output the following: SIFT: "Deleterious"; PolyPhen-2: "Benign"; Align-GVGD: "Class C0". The serine amino acid residue is found in multiple mammalian species, which suggests that this missense change does not adversely affect protein function. This variant has not been reported in the literature in individuals affected with REST-related conditions. This variant is not present in population databases (gnomAD no frequency). This sequence change replaces proline, which is neutral and non-polar, with serine, which is neutral and polar, at codon 533 of the REST protein (p.Pro533Ser).

NM_005612.5(REST):c.1597C>T (p.Pro533Ser)

Gene: REST (RE1 silencing transcription factor; plus strand). Cytogenetic location: 4q12.
Variant type: single nucleotide variant.
Coding change: c.1597C>T on transcript NM_005612.5 (MANE Select); coding-DNA position 1597, C replaced by T.
Protein change: p.Pro533Ser; replaces proline 533 with serine.
Molecular consequence: missense variant.
Genome position (GRCh38, 1-based): chr4:56,930,455, C>T. VCF-style: chr4-56930455-C-T. GRCh37 (hg19) VCF-style: chr4-57796621-C-T.
Other names: c.1597C>T, p.Pro533Ser (NM_001193508.2, NM_001363453.3); short protein forms P533S.
Identifiers: ClinVar variation 1996043 (VCV001996043.4), dbSNP rs2475849832, ClinGen allele CA357006983.